The following is an entry in ClinVar:

ClinVar aggregate classification (germline): Uncertain significance (1 of 4 stars; one submission).

Submission:

Labcorp Genetics (formerly Invitae), Labcorp
Classification: Uncertain significance. Last evaluated: 2025-05-05. Review status: criteria provided, single submitter. Criteria: Invitae Variant Classification Sherloc (09022015). Collection method: clinical testing. Allele origin: germline.
Comment: This sequence change replaces alanine, which is neutral and non-polar, with serine, which is neutral and polar, at codon 1848 of the RAI1 protein (p.Ala1848Ser). This variant is not present in population databases (gnomAD no frequency). This variant has not been reported in the literature in individuals affected with RAI1-related conditions. Invitae Evidence Modeling of protein sequence and biophysical properties (such as structural, functional, and spatial information, amino acid conservation, physicochemical variation, residue mobility, and thermodynamic stability) indicates that this missense variant is expected to disrupt RAI1 protein function with a positive predictive value of 80%. In summary, the available evidence is currently insufficient to determine the role of this variant in disease. Therefore, it has been classified as a Variant of Uncertain Significance.

NM_030665.4(RAI1):c.5542G>T (p.Ala1848Ser)

Gene: RAI1 (retinoic acid induced 1; plus strand). Cytogenetic location: 17p11.2.
Variant type: single nucleotide variant.
Coding change: c.5542G>T on transcript NM_030665.4 (MANE Select); coding-DNA position 5542, G replaced by T.
Protein change: p.Ala1848Ser; replaces alanine 1848 with serine.
Molecular consequence: missense variant.
Genome position (GRCh38, 1-based): chr17:17,798,490, G>T. VCF-style: chr17-17798490-G-T. GRCh37 (hg19) VCF-style: chr17-17701804-G-T.
Other names: short protein forms A1848S.
Identifiers: ClinVar variation 4742387 (VCV004742387.1).
Genomic context (GRCh38, chr17:17,798,490, plus strand): 5'-TGTGCCGTGTGGACCGGCGGCGTCTACCTGGTGGCCGGGAAGCTCTTTGGGCTGCAGGAG[G>T]CCATGAAGGTGGCCGTGGACATGGTAAGAGGCCAGCCCAGCCAGGGTGGGGAGTGTGGGG-3'
Protein context (NP_109590.3, residues 1838-1858): VAGKLFGLQE[Ala1848Ser]MKVAVDMMCS